The following is an entry in ClinVar:

NM_033380.3(COL4A5):c.1480G>C (p.Gly494Arg)

Gene: COL4A5 (collagen type IV alpha 5 chain; plus strand). Cytogenetic location: Xq22.3.
Variant type: single nucleotide variant.
Coding change: c.1480G>C on transcript NM_033380.3 (MANE Select); coding-DNA position 1480, G replaced by C.
Protein change: p.Gly494Arg; replaces glycine 494 with arginine.
Molecular consequence: missense variant.
Genome position (GRCh38, 1-based): chrX:108,595,565, G>C. VCF-style: chrX-108595565-G-C. GRCh37 (hg19) VCF-style: chrX-107838795-G-C.
Other names: c.1480G>C, p.Gly494Arg (NM_000495.5); short protein forms G494R.
Identifiers: ClinVar variation 623126 (VCV000623126.2), dbSNP rs1569493662, ClinGen allele CA413935901.

ClinVar aggregate classification (germline): Likely pathogenic. Review status: criteria provided, multiple submitters, no conflicts (2 of 4 stars). 2 submissions from 2 submitters: Likely pathogenic (2). Last evaluated 2018-04-10.

Conditions:
X-linked Alport syndrome (ATS1). Also called: NEPHROPATHY AND DEAFNESS, X-LINKED; COL4A5-Related Nephropathy. Identifiers: Orphanet 63, Orphanet 88917, MedGen C4746986, MONDO:0010520, OMIM 301050.

Submissions (2):

Molecular Diagnostics Laboratory, M Health Fairview: University of Minnesota
Classification: Likely pathogenic for X-linked Alport syndrome. Last evaluated: 2018-04-10. Review status: criteria provided, single submitter. Criteria: ACMG Guidelines, 2015. Collection method: clinical testing. Allele origin: germline. Affected: yes. Observed: 1 variant allele.

Neuberg Centre For Genomic Medicine, NCGM
Classification: Likely pathogenic for X-linked Alport syndrome. Review status: criteria provided, single submitter. Criteria: ACMG Guidelines, 2015. Collection method: clinical testing. Allele origin: germline. Inheritance: X-linked inheritance. Affected: yes.
Comment: The c.1480G>C (p.Gly494Arg) variant in COL4A5 gene has been submitted to ClinVar as Likely Pathogenic but no details are available for independent assessment. The p.Gly494Arg variant is novel (not in any individuals) in gnomAD Exomes and 1000 Genomes. The amino acid Gly at position 494 is changed to a Arg changing protein sequence and it might alter its composition and physico-chemical properties. Another variant Gly464Asp has been reported as Pathogenic (Renieri et al., 1996). The above variant is affecting a glycine residue in the collagen triple helix. Majority of glycine substitutions within the triple helix may lead to disease and hence the above variant is classified as Likely Pathogenic.

Literature cited by the submitters: PubMed 8651296 (cited by Molecular Diagnostics Laboratory, M Health Fairview: University of Minnesota).